The following is an entry in ClinVar:

ClinVar aggregate classification (germline): Likely benign (1 of 4 stars; one submission).

Allele frequency attached by ClinVar (database versions not stated): gnomAD 0.00001.

Submission:

CeGaT Center for Human Genetics Tuebingen
Classification: Likely benign. Last evaluated: 2022-09-01. Review status: criteria provided, single submitter. Criteria: CeGaT Center For Human Genetics Tuebingen Variant Classification Criteria Version 2. Collection method: clinical testing. Allele origin: germline. Affected: yes. Observed: 1 variant allele.
Comment: PIEZO1: BP4, BP7

NM_001142864.4(PIEZO1):c.4965C>T (p.Arg1655=)

Gene: PIEZO1 (piezo type mechanosensitive ion channel component 1 (Er blood group); minus strand). Cytogenetic location: 16q24.3.
Variant type: single nucleotide variant.
Coding change: c.4965C>T on transcript NM_001142864.4 (MANE Select); coding-DNA position 4965, C replaced by T.
Protein change: p.Arg1655=; no amino-acid change (arginine 1655 retained).
Molecular consequence: synonymous variant.
Genome position (GRCh38, 1-based): chr16:88,722,057, G>A on the plus strand (C>T on the coding strand, the complement: PIEZO1 is on the minus strand). VCF-style: chr16-88722057-G-A. GRCh37 (hg19) VCF-style: chr16-88788465-G-A.
Other names: c.3507C>T, p.Arg1169= (NM_014745.1).
Identifiers: ClinVar variation 2646994 (VCV002646994.24), dbSNP rs1356619500, ClinGen allele CA497365513.